The following is an entry in ClinVar:

ClinVar aggregate classification (germline): Benign. Review status: reviewed by expert panel (3 of 4 stars). 7 submissions from 7 submitters: Benign (1). 6 of the submissions do not count toward it. Last evaluated 2017-04-03.

Conditions:
BRAF-related disorder. Also called: BRAF-related condition.
Noonan syndrome and Noonan-related syndrome. Identifiers: Orphanet 98733, MedGen C5681679, MONDO:0020297.
RASopathy. Also called: rasopathies; Noonan spectrum disorder. Identifiers: Orphanet 536391, MedGen C5555857, MONDO:0021060.

Allele frequency attached by ClinVar (database versions not stated): gnomAD 0.00001; TOPMed 0.00001; gnomAD exomes 0.00008 and 0.00012; ExAC 0.00016.

Submissions (7):

ClinGen RASopathy Variant Curation Expert Panel
Classification: Benign for Noonan syndrome and Noonan-related syndrome. Last evaluated: 2017-04-03. Review status: reviewed by expert panel. Criteria: ClinGen RASopathy ACMG Specifications v1. Collection method: curation. Allele origin: germline. Inheritance: Autosomal dominant inheritance.
Comment: The filtering allele frequency of the c.968C>T (p.Ser323Leu) variant in the BRAF gene is 0.06% for South Asian chromosomes by the Exome Aggregation Consortium (17/16512 with 95% CI), which is a high enough frequency to be classified as benign based on thresholds defined by the ClinGen RASopathy Expert panel for autosomal dominant RASopathy variants (BA1).

Labcorp Genetics (formerly Invitae), Labcorp
Classification: Benign for RASopathy. Last evaluated: 2026-02-01. Review status: criteria provided, single submitter. Criteria: Invitae Variant Classification Sherloc (09022015). Collection method: clinical testing. Allele origin: germline. Not counted in ClinVar's aggregate classification.

Blueprint Genetics
Classification: Likely benign. Last evaluated: 2024-09-24. Review status: criteria provided, single submitter. Criteria: ACMG Guidelines, 2015. Collection method: clinical testing. Allele origin: germline. Not counted in ClinVar's aggregate classification.

Genome Diagnostics Laboratory, The Hospital for Sick Children
Classification: Likely benign for Noonan syndrome and Noonan-related syndrome. Last evaluated: 2020-08-20. Review status: criteria provided, single submitter. Criteria: ACMG Guidelines, 2015. Collection method: clinical testing. Allele origin: germline. Not counted in ClinVar's aggregate classification.

GeneDx
Classification: Benign. Last evaluated: 2019-02-28. Review status: criteria provided, single submitter. Criteria: GeneDx Variant Classification Process June 2021. Collection method: clinical testing. Allele origin: germline. Affected: yes. Not counted in ClinVar's aggregate classification.

Laboratory for Molecular Medicine, Mass General Brigham Personalized Medicine
Classification: Uncertain significance. Last evaluated: 2012-04-18. Review status: criteria provided, single submitter. Criteria: LMM Criteria. Collection method: clinical testing. Allele origin: germline. Observed: 2 variant alleles. Not counted in ClinVar's aggregate classification.
Comment: Variant classified as Uncertain Significance - Favor Benign. The Ser323Leu varia nt has not been reported in the literature nor previously identified by our labo ratory. Serine (Ser) at this position is conserved across mammals but not into lower species and computational analyses (biochemical amino acid properties, Pol yPhen2, SIFT, AlignGVGD) do not provide strong support for or against pathogenic ity. In the absence of additional information, the clinical significance of thi s variant cannot be determined at this time.

PreventionGenetics, part of Exact Sciences
Classification: Benign for BRAF-related condition. Last evaluated: 2021-07-05. Review status: no assertion criteria provided. Collection method: clinical testing. Allele origin: germline. Not counted in ClinVar's aggregate classification.
Comment: This variant is classified as benign based on ACMG/AMP sequence variant interpretation guidelines (Richards et al. 2015 PMID: 25741868, with internal and published modifications).

NM_004333.6(BRAF):c.968C>T (p.Ser323Leu)

Gene: BRAF (B-Raf proto-oncogene, serine/threonine kinase; minus strand). Cytogenetic location: 7q34.
Variant type: single nucleotide variant.
Coding change: c.968C>T on transcript NM_004333.6 (MANE Select); coding-DNA position 968, C replaced by T.
Protein change: p.Ser323Leu; replaces serine 323 with leucine.
Molecular consequence: missense variant.
Genome position (GRCh38, 1-based): chr7:140,800,374, G>A on the plus strand (C>T on the coding strand, the complement: BRAF is on the minus strand). VCF-style: chr7-140800374-G-A. GRCh37 (hg19) VCF-style: chr7-140500174-G-A.
Other names: p.S323L:TCG>TTG; NM_004333.4(BRAF):c.968C>T; c.968C>T, p.Ser323Leu (NM_001354609.2, NM_001374244.1, NM_001374258.1 and 4 more transcripts); c.977C>T, p.Ser326Leu (NM_001378467.1); c.866C>T, p.Ser289Leu (NM_001378470.1); c.812C>T, p.Ser271Leu (NM_001378472.1, NM_001378473.1); c.704C>T, p.Ser235Leu (NM_001378475.1); short protein forms S323L, S235L, S271L, S289L, S326L.
Identifiers: ClinVar variation 44834 (VCV000044834.20), dbSNP rs397516907, ClinGen allele CA135149.